The following is an entry in ClinVar:

ClinVar aggregate classification (germline): Uncertain significance (1 of 4 stars; one submission).

Submission:

Ambry Genetics
Classification: Uncertain significance. Last evaluated: 2024-12-21. Review status: criteria provided, single submitter. Criteria: Ambry Variant Classification Scheme 2023. Collection method: clinical testing. Allele origin: germline.
Comment: The p.S261N variant (also known as c.782G>A), located in coding exon 3 of the GFI1 gene, results from a G to A substitution at nucleotide position 782. The serine at codon 261 is replaced by asparagine, an amino acid with highly similar properties. This amino acid position is conserved. In addition, this alteration is predicted to be tolerated by in silico analysis. Based on the available evidence, the clinical significance of this variant remains unclear.

NM_005263.5(GFI1):c.782G>A (p.Ser261Asn)

Gene: GFI1 (growth factor independent 1 transcriptional repressor; minus strand). Cytogenetic location: 1p22.1.
Variant type: single nucleotide variant.
Coding change: c.782G>A on transcript NM_005263.5 (MANE Select); coding-DNA position 782, G replaced by A.
Protein change: p.Ser261Asn; replaces serine 261 with asparagine.
Molecular consequence: missense variant.
Genome position (GRCh38, 1-based): chr1:92,480,605, C>T on the plus strand (G>A on the coding strand, the complement: GFI1 is on the minus strand). VCF-style: chr1-92480605-C-T. GRCh37 (hg19) VCF-style: chr1-92946162-C-T.
Other names: c.782G>A, p.Ser261Asn (NM_001127215.3, NM_001127216.3); short protein forms S261N.
Identifiers: ClinVar variation 3853664 (VCV003853664.1).